The following is an entry in ClinVar:

NM_000155.4(GALT):c.200G>A (p.Arg67His)

Genes: GALT (galactose-1-phosphate uridylyltransferase; plus strand), LOC130001683 (ATAC-STARR-seq lymphoblastoid active region 28314; plus strand). Cytogenetic location: 9p13.3.
Variant type: single nucleotide variant.
Coding change: c.200G>A on transcript NM_000155.4 (MANE Select); coding-DNA position 200, G replaced by A.
Protein change: p.Arg67His; replaces arginine 67 with histidine.
Molecular consequence: missense variant. On other transcripts: 5 prime UTR variant (1).
Genome position (GRCh38, 1-based): chr9:34,647,206, G>A. VCF-style: chr9-34647206-G-A. GRCh37 (hg19) VCF-style: chr9-34647203-G-A.
Other names: p.Arg67His; NM_000155.4(GALT):c.200G>A; c.-3G>A (NM_001258332.2); short protein forms R67H.
Identifiers: ClinVar variation 203733 (VCV000203733.34), dbSNP rs758430398, ClinGen allele CA312560.
Genomic context (GRCh38, chr9:34,647,206, plus strand): 5'-ACCGCATGAAGCGGCCCTGGCAGGGTCAAGTGGAGCCCCAGCTTCTGAAGACAGTGCCCC[G>A]CCATGACCCTCTCAACCCTCTGTGTCCTGGGGCCATCCGAGCCAACGGAGAGGTAAGCCT-3'
Protein context (NP_000146.2, residues 57-77): VEPQLLKTVP[Arg67His]HDPLNPLCPG

ClinVar aggregate classification (germline): Likely pathogenic. Review status: reviewed by expert panel (3 of 4 stars). 10 submissions from 10 submitters: Likely pathogenic (1). 9 of the submissions do not count toward it. Last evaluated 2026-05-12.

Conditions:
GALT-related disorder. Also called: GALT-related condition.
Galactosemia. Also called: Galactose intolerance. Identifiers: Orphanet 352, MedGen C0016952, MONDO:0018116, HP:0004919. Disease mechanism: loss of function.
Deficiency of UDPglucose-hexose-1-phosphate uridylyltransferase. Also called: GALACTOSE-1-PHOSPHATE URIDYLYLTRANSFERASE DEFICIENCY; GALACTOSEMIA I; GALT deficiency; Galactosemia, classic; Transferase Deficiency Galactosemia. Identifiers: Orphanet 352, Orphanet 79239, MedGen C0268151, MONDO:0009258, OMIM 230400.

Allele frequency attached by ClinVar (database versions not stated): gnomAD exomes below 0.00001; ExAC 0.00001; TOPMed 0.00001; gnomAD 0.00003.

Submissions (10):

Clingen Galactosemia Variant Curation Expert Panel, ClinGen
Classification: Likely pathogenic for Galactosemia. Last evaluated: 2026-05-12. Review status: reviewed by expert panel. Criteria: ClinGen Galactosemia ACMG Specifications GALT V1.1. Collection method: curation. Allele origin: germline. Inheritance: Autosomal recessive inheritance.
Comment: The c.200G>A variant in GALT is a missense variant predicted to cause substitution of Arginine by Histidine at amino acid 67 (p.Arg67His). The filtering allele frequency (the upper threshold of the 95% CI of 4/152180) of the .200G>A variant in GALT is 0.00003249 for African/African American chromosomes by gnomAD v4.1.0, which is lower than the ClinGen Galactosemia threshold (≤ 0.0005) for PM2_Supporting, and therefore meets this criterion (PM2_Supporting). The computational predictor REVEL gives a score of 0.902, which is equal to or above the threshold of 0.7, evidence that correlates with impact to GALT function (PP3). This variant has been detected in at least one individual with galactosemia who was homozygous for the variant (PM3_Supporting, PMID: 22944367). At least one patient with this variant displayed absent GALT activity in erythrocytes, which is highly specific for galactosemia (PP4_Moderate, PMID: 22944367). Another missense variant (c.199C>T, p.Arg67Cys) in the same codon has been classified as likely pathogenic for galactosemia by the ClinGen Galactosemia Variant Curation Expert Panel (PM5_Supporting). In summary, this variant meets the criteria to be classified as likely pathogenic for galactosemia based on the ACMG/AMP criteria applied, as specified by the ClinGen Galactosemia VCEP: PM2_supporting, PP3, PM3_Supporting, PP4_Moderate, PM5_Supporting 05/12/2026 (GALT specifications version 1.0).

Labcorp Genetics (formerly Invitae), Labcorp
Classification: Pathogenic for Deficiency of UDPglucose-hexose-1-phosphate uridylyltransferase. Last evaluated: 2025-11-19. Review status: criteria provided, single submitter. Criteria: Invitae Variant Classification Sherloc (09022015). Collection method: clinical testing. Allele origin: germline. Not counted in ClinVar's aggregate classification.
Comment: This sequence change replaces arginine, which is basic and polar, with histidine, which is basic and polar, at codon 67 of the GALT protein (p.Arg67His). This variant is present in population databases (rs758430398, gnomAD 0.008%). This missense change has been observed in individual(s) with galactosemia (PMID: 22944367). ClinVar contains an entry for this variant (Variation ID: 203733). Invitae Evidence Modeling of protein sequence and biophysical properties (such as structural, functional, and spatial information, amino acid conservation, physicochemical variation, residue mobility, and thermodynamic stability) indicates that this missense variant is expected to disrupt GALT protein function with a positive predictive value of 95%. This variant disrupts the p.Arg67 amino acid residue in GALT. Other variant(s) that disrupt this residue have been determined to be pathogenic (PMID: 8598637, 11152465, 22944367). This suggests that this residue is clinically significant, and that variants that disrupt this residue are likely to be disease-causing. For these reasons, this variant has been classified as Pathogenic.

Women's Health and Genetics/Laboratory Corporation of America, LabCorp
Classification: Likely pathogenic for Deficiency of UDPglucose-hexose-1-phosphate uridylyltransferase. Last evaluated: 2025-06-20. Review status: criteria provided, single submitter. Criteria: LabCorp Variant Classification Summary - May 2015. Collection method: clinical testing. Allele origin: germline. Not counted in ClinVar's aggregate classification.
Comment: Variant summary: GALT c.200G>A (p.Arg67His) results in a non-conservative amino acid change located in the Galactose-1-phosphate uridyl transferase, N-terminal (IPR005849) of the encoded protein sequence. Algorithms developed to predict the effect of missense changes on protein structure and function all suggest that this variant is likely to be disruptive. The variant allele was found at a frequency of 4e-06 in 251342 control chromosomes. .200G>A has been reported in the literature in individuals affected with Galactosemia (Boutron_2012) and a pediatric patient with cataract (Patel_2017). These data indicate that the variant may be associated with disease. A different variant affecting the same codon has been classified as pathogenic by our lab (c.199C>T, p.Arg67Cys), supporting the critical relevance of codon 67 to GALT protein function. To our knowledge, no experimental evidence demonstrating an impact on protein function has been reported. The following publications have been ascertained in the context of this evaluation (PMID: 22944367, 27878435). ClinVar contains an entry for this variant (Variation ID: 203733). Based on the evidence outlined above, the variant was classified as likely pathogenic.

Natera, Inc.
Classification: Likely pathogenic for Galactosemia. Last evaluated: 2025-06-05. Review status: criteria provided, single submitter. Criteria: Natera Variant Classification Schema (03/2026). Collection method: clinical testing. Allele origin: germline. Not counted in ClinVar's aggregate classification.
Comment: The c.200G>A variant in GALT is a missense variant predicted to cause substitution of arginine to histidine at amino acid 67. This variant is rare in the general population with a frequency below the threshold expected for the associated phenotype(s). This variant has been observed in one or more individuals affected with the associated recessive disease, as either homozygous or compound heterozygous with a second variant (PMID: 22944367, 38262132). This variant has been identified in one or more affected individual with a phenotype highly consistent with the associated gene (PMID: 38262132). A different variant at the same position has been determined to be Pathogenic or Likely Pathogenic. Computational prediction algorithms indicate this variant is likely to affect gene or protein function. Given the available evidence, this variant is classified as Likely Pathogenic.

Mayo Clinic Laboratories, Mayo Clinic
Classification: Likely pathogenic. Last evaluated: 2024-08-05. Review status: criteria provided, single submitter. Criteria: ACMG Guidelines, 2015. Collection method: clinical testing. Allele origin: germline. Observed: 1 variant allele. Not counted in ClinVar's aggregate classification.
Comment: PP3_moderate, PM2, PM3, PM5

Genomic Medicine Center of Excellence, King Faisal Specialist Hospital and Research Centre
Classification: Pathogenic for Deficiency of UDPglucose-hexose-1-phosphate uridylyltransferase. Last evaluated: 2024-03-17. Review status: criteria provided, single submitter. Criteria: ACMG Guidelines, 2015. Collection method: research. Allele origin: germline. Not counted in ClinVar's aggregate classification.

Baylor Genetics
Classification: Likely pathogenic for Deficiency of UDPglucose-hexose-1-phosphate uridylyltransferase. Last evaluated: 2024-03-12. Review status: criteria provided, single submitter. Criteria: ACMG Guidelines, 2015. Collection method: clinical testing. Allele origin: unknown. Not counted in ClinVar's aggregate classification.

Blueprint Genetics
Classification: Likely pathogenic for GALT-related disorders. Last evaluated: 2023-02-28. Review status: criteria provided, single submitter. Criteria: ACMG Guidelines, 2015. Collection method: clinical testing. Allele origin: germline. Affected: yes. Observed: 1 variant allele. Not counted in ClinVar's aggregate classification.

Clinical Laboratory Sciences Program (CLSP), King Saud bin Abdulaziz University for Health Sciences (KSAU-HS)
Classification: Likely pathogenic for Deficiency of UDPglucose-hexose-1-phosphate uridylyltransferase. Last evaluated: 2023-04-01. Review status: no assertion criteria provided. Collection method: clinical testing. Allele origin: germline. Affected: yes. Not counted in ClinVar's aggregate classification.

Counsyl
Classification: Uncertain significance for Deficiency of UDPglucose-hexose-1-phosphate uridylyltransferase. Last evaluated: 2017-11-08. Review status: no assertion criteria provided. Collection method: clinical testing. Allele origin: unknown. Not counted in ClinVar's aggregate classification.

Literature cited by the submitters: PubMed 22944367 (cited by 5 submitters); PubMed 8598637 (cited by Labcorp Genetics (formerly Invitae), Labcorp); PubMed 11152465 (cited by Labcorp Genetics (formerly Invitae), Labcorp); PubMed 27878435 (cited by 3 submitters); PubMed 38262132 (cited by Natera, Inc. and Mayo Clinic Laboratories, Mayo Clinic).